The following is an entry in ClinVar:

ClinVar aggregate classification (germline): Uncertain significance (1 of 4 stars; one submission).

Conditions:
Familial adenomatous polyposis 1 (FAP1). Also called: FAMILIAL ADENOMATOUS POLYPOSIS 1, ATTENUATED; POLYPOSIS, ADENOMATOUS INTESTINAL. Identifiers: MedGen C2713442, MONDO:0021056, OMIM 175100. Disease mechanism: loss of function.

Allele frequency attached by ClinVar (database versions not stated): TOPMed 0.00002; gnomAD 0.00003; gnomAD exomes below 0.00001.
gnomAD v4.1: 5 of 1,170,074 alleles (0.00043%); highest among the groups gnomAD compares: Admixed American, 0.0024%; no homozygotes.

Submission:

Labcorp Genetics (formerly Invitae), Labcorp
Classification: Uncertain significance for Familial adenomatous polyposis 1. Last evaluated: 2025-11-01. Review status: criteria provided, single submitter. Criteria: Invitae Variant Classification Sherloc (09022015). Collection method: clinical testing. Allele origin: germline.
Comment: This variant occurs in a non-coding region of the APC gene. It does not change the encoded amino acid sequence of the APC protein. This variant is present in population databases (no rsID available, gnomAD 0.007%). This variant has not been reported in the literature in individuals affected with APC-related conditions. ClinVar contains an entry for this variant (Variation ID: 646048). Experimental studies and prediction algorithms are not available or were not evaluated, and the functional significance of this variant is currently unknown. In summary, the available evidence is currently insufficient to determine the role of this variant in disease. Therefore, it has been classified as a Variant of Uncertain Significance.

NM_001127511.3(APC):c.-114C>G

Gene: APC (APC regulator of Wnt signaling pathway; plus strand). Cytogenetic location: 5q22.2.
Variant type: single nucleotide variant.
Coding change: c.-114C>G on transcript NM_001127511.3; 114 bases upstream of the start codon, C replaced by G.
Molecular consequence: 5 prime UTR variant. On other transcripts: non-coding transcript variant (2).
Genome position (GRCh38, 1-based): chr5:112,707,604, C>G. VCF-style: chr5-112707604-C-G. GRCh37 (hg19) VCF-style: chr5-112043301-C-G.
Other names: c.-297C>G (NM_001354895.2, NM_001407447.1, NM_001407452.1 and 3 more transcripts); c.-114C>G (NM_001354897.2, NM_001354902.2, NM_001407446.1); c.-64C>G (NM_001407448.1, NM_001407450.1, NM_001407457.1 and 1 more transcripts); c.-88C>G (NM_001407453.1); c.-1332C>G (NM_001407470.1, NM_001407472.1).
Identifiers: ClinVar variation 646048 (VCV000646048.9), dbSNP rs1452815000, ClinGen allele CA561890254.